The following is an entry in ClinVar:

ClinVar aggregate classification (germline): Uncertain significance (1 of 4 stars; one submission).

Conditions:
Cardiac arrhythmia, ankyrin-B-related. Also called: ANKYRIN-B SYNDROME. Identifiers: Orphanet 101016, Orphanet 768, MedGen C1970119, MONDO:0010958, OMIM 600919.

Allele frequency attached by ClinVar (database versions not stated): gnomAD exomes below 0.00001; ExAC 0.00001; gnomAD 0.00001; TOPMed 0.00001; ESP Exome Variant Server 0.00008.
gnomAD v4.1: 3 of 1,612,828 alleles (0.00019%); highest among the groups gnomAD compares: Non-Finnish European, 0.00025%; no homozygotes.

Submission:

GeneDx
Classification: Uncertain significance. Last evaluated: 2021-06-08. Review status: criteria provided, single submitter. Criteria: GeneDx Variant Classification Process June 2021. Collection method: clinical testing. Allele origin: germline. Affected: yes.
Comment: Not observed at significant frequency in large population cohorts (Lek et al., 2016); In silico analysis supports that this missense variant has a deleterious effect on protein structure/function; Has not been previously published as pathogenic or benign to our knowledge; This variant is associated with the following publications: (PMID: 27535533)

NM_001148.6(ANK2):c.109C>T (p.Arg37Cys)

Gene: ANK2 (ankyrin 2; plus strand). Cytogenetic location: 4q25.
Variant type: single nucleotide variant.
Coding change: c.109C>T on transcript NM_001148.6 (MANE Select); coding-DNA position 109, C replaced by T.
Protein change: p.Arg37Cys; replaces arginine 37 with cysteine.
Molecular consequence: missense variant.
Genome position (GRCh38, 1-based): chr4:113,174,440, C>T. VCF-style: chr4-113174440-C-T. GRCh37 (hg19) VCF-style: chr4-114095596-C-T.
Other names: c.46C>T, p.Arg16Cys (NM_001386161.1, NM_001386162.1, NM_001127493.3 and 33 more transcripts); c.160C>T, p.Arg54Cys (NM_001386174.1, NM_001386175.1); c.97C>T, p.Arg33Cys (NM_001386186.2, NM_001386187.2, NM_001354269.3 and 1 more transcripts); c.109C>T, p.Arg37Cys (NM_020977.5, NM_001354225.2, NM_001354228.2 and 9 more transcripts); c.154C>T, p.Arg52Cys (NM_001354230.2, NM_001354231.2, NM_001354237.2 and 5 more transcripts); c.91C>T, p.Arg31Cys (NM_001354261.2, NM_001386147.1, NM_001386160.1); short protein forms R16C, R31C, R33C, R37C, R52C, R54C.
Identifiers: ClinVar variation 1186234 (VCV001186234.5), dbSNP rs369877280, ClinGen allele CA3049937.